The following is an entry in ClinVar:

ClinVar aggregate classification (germline): Uncertain significance. Review status: criteria provided, multiple submitters, no conflicts (2 of 4 stars). 2 submissions from 2 submitters: Uncertain significance (2). Last evaluated 2024-01-01.

Conditions:
Pyruvate carboxylase deficiency. Also called: LEIGH NECROTIZING ENCEPHALOPATHY DUE TO PYRUVATE CARBOXYLASE DEFICIENCY; LEIGH SYNDROME DUE TO PYRUVATE CARBOXYLASE DEFICIENCY; PC DEFICIENCY; ATAXIA WITH LACTIC ACIDOSIS II; Pyruvate Carboxylase Deficiency Disease. Identifiers: Orphanet 3008, MedGen C0034341, MONDO:0009949, OMIM 266150.

Allele frequency attached by ClinVar (database versions not stated): TOPMed below 0.00001.

Submissions (2):

Daryl Scott Lab, Baylor College of Medicine
Classification: Uncertain significance for Pyruvate carboxylase deficiency. Last evaluated: 2024-01-01. Review status: criteria provided, single submitter. Criteria: ACMG Guidelines, 2015. Collection method: clinical testing. Allele origin: biparental. Observed: 1 homozygote.
Comment: PM2

Baylor Genetics
Classification: Uncertain significance for Pyruvate carboxylase deficiency. Last evaluated: 2019-11-06. Review status: criteria provided, single submitter. Criteria: ACMG Guidelines, 2015. Collection method: clinical testing. Allele origin: unknown. Affected: yes.
Comment: This variant was determined to be of uncertain significance according to ACMG Guidelines, 2015 [PMID:25741868].

NM_001040716.2(PC):c.3496A>G (p.Met1166Val)

Gene: PC (pyruvate carboxylase; minus strand). Cytogenetic location: 11q13.2.
Variant type: single nucleotide variant.
Coding change: c.3496A>G on transcript NM_001040716.2 (MANE Select); coding-DNA position 3496, A replaced by G.
Protein change: p.Met1166Val; replaces methionine 1166 with valine.
Molecular consequence: missense variant.
Genome position (GRCh38, 1-based): chr11:66,848,940, T>C on the plus strand (A>G on the coding strand, the complement: PC is on the minus strand). VCF-style: chr11-66848940-T-C. GRCh37 (hg19) VCF-style: chr11-66616411-T-C.
Other names: c.3496A>G, p.Met1166Val (NM_000920.4, NM_022172.3); short protein forms M1166V.
Identifiers: ClinVar variation 1030922 (VCV001030922.2), dbSNP rs1945302855, ClinGen allele CA381489133.